The following is an entry in ClinVar:

NM_000186.4(CFH):c.1922T>C (p.Val641Ala)

Gene: CFH (complement factor H; plus strand). Cytogenetic location: 1q31.3.
Variant type: single nucleotide variant.
Coding change: c.1922T>C on transcript NM_000186.4 (MANE Select); coding-DNA position 1922, T replaced by C.
Protein change: p.Val641Ala; replaces valine 641 with alanine.
Molecular consequence: missense variant.
Genome position (GRCh38, 1-based): chr1:196,726,518, T>C. VCF-style: chr1-196726518-T-C. GRCh37 (hg19) VCF-style: chr1-196695648-T-C.
Other names: p.Val641Ala; short protein forms V641A.
Identifiers: ClinVar variation 1399205 (VCV001399205.11), dbSNP rs371768180, ClinGen allele CA1305530.
Genomic context (GRCh38, chr1:196,726,518, plus strand): 5'-TTTCTACTATAGAGCAAGTACAATCATGTGGTCCACCTCCTGAACTCCTCAATGGGAATG[T>C]TAAGGAAAAAACGAAAGAAGAATATGGACACAGTGAAGTGGTGGAATATTATTGCAATCC-3'
Protein context (NP_000177.2, residues 631-651): GPPPELLNGN[Val641Ala]KEKTKEEYGH

ClinVar aggregate classification (germline): Uncertain significance. Review status: criteria provided, multiple submitters, no conflicts (2 of 4 stars). 8 submissions from 5 submitters: Uncertain significance (8). Last evaluated 2026-09-17.

Conditions:
Factor H deficiency (CFHD). Also called: CFH DEFICIENCY; COMPLEMENT FACTOR H DEFICIENCY. Identifiers: Orphanet 200421, MedGen C0398777, MONDO:0012350, OMIM 609814.
Atypical hemolytic-uremic syndrome. Identifiers: Orphanet 2134, MedGen C2931788, MONDO:0016244.
Age related macular degeneration 4. Identifiers: MedGen C1853147, MONDO:0012540, OMIM 610698.
Basal laminar drusen. Also called: DRUSEN OF BRUCH MEMBRANE; DRUSEN, CUTICULAR; DRUSEN, EARLY ADULT-ONSET, GROUPED. Identifiers: Orphanet 75376, MedGen C0730295, MONDO:0007472, OMIM 126700.
Hemolytic uremic syndrome, atypical, susceptibility to, 1. Also called: AHUS, SUSCEPTIBILITY TO, 1. Identifiers: Orphanet 2134, Orphanet 90038, MedGen C2749604, MONDO:0009335, OMIM 235400. Disease mechanism: Other.

Allele frequency attached by ClinVar (database versions not stated): gnomAD 0.00006 and 0.00007; ESP Exome Variant Server 0.00008; gnomAD exomes 0.00010 and 0.00005; ExAC 0.00003; TOPMed 0.00005.
gnomAD v4.1: 152 of 1,613,044 alleles (0.0094%); highest among the groups gnomAD compares: Non-Finnish European, 0.012%; no homozygotes.

Submissions (8):

Genomenon, Inc
Classification: Uncertain significance for Atypical hemolytic-uremic syndrome; Factor H deficiency. Last evaluated: 2026-09-17. Review status: criteria provided, single submitter. Criteria: Genomenon Sequence Variant Interpretation Standards - Updated. Collection method: curation. Allele origin: germline. Affected: yes.
Comment: CFH p.Val641Ala (c.1922T>C) is a missense variant that changes the amino acid at codon 641 from valine to alanine. This variant has been observed in at least one proband affected with a CFH-related disorder (PMID: 29888403). Functional studies have been reported (PMID: 34189567). It is absent or not present at a significant frequency in gnomAD. In silico models predict that this variant is not damaging. In conclusion, we classify CFH p.Val641Ala (c.1922T>C) as a variant of uncertain significance.

Labcorp Genetics (formerly Invitae), Labcorp
Classification: Uncertain significance. Last evaluated: 2025-11-28. Review status: criteria provided, single submitter. Criteria: Invitae Variant Classification Sherloc (09022015). Collection method: clinical testing. Allele origin: germline.
Comment: This sequence change replaces valine, which is neutral and non-polar, with alanine, which is neutral and non-polar, at codon 641 of the CFH protein (p.Val641Ala). This variant is present in population databases (rs371768180, gnomAD 0.01%). This missense change has been observed in individual(s) with clinical features of CFH-related conditions (PMID: 29888403, 34508573). ClinVar contains an entry for this variant (Variation ID: 1399205). An algorithm developed to predict the effect of missense changes on protein structure and function outputs the following: PolyPhen-2: "Benign". The alanine amino acid residue is found in multiple mammalian species, which suggests that this missense change does not adversely affect protein function. Experimental studies have shown that this missense change does not substantially affect CFH function (PMID: 34189567). In summary, the available evidence is currently insufficient to determine the role of this variant in disease. Therefore, it has been classified as a Variant of Uncertain Significance.

Mayo Clinic Laboratories, Mayo Clinic
Classification: Uncertain significance. Last evaluated: 2023-08-09. Review status: criteria provided, single submitter. Criteria: ACMG Guidelines, 2015. Collection method: clinical testing. Allele origin: germline. Observed: 1 variant allele.
Comment: BP4

Genome-Nilou Lab
Classification: Uncertain significance for Hemolytic uremic syndrome, atypical, susceptibility to, 1. Last evaluated: 2023-04-11. Review status: criteria provided, single submitter. Criteria: ACMG Guidelines, 2015. Collection method: clinical testing. Allele origin: germline. Affected: no.

Genome-Nilou Lab
Classification: Uncertain significance for Age related macular degeneration 4. Last evaluated: 2023-04-11. Review status: criteria provided, single submitter. Criteria: ACMG Guidelines, 2015. Collection method: clinical testing. Allele origin: germline. Affected: no.

Genome-Nilou Lab
Classification: Uncertain significance for Basal laminar drusen. Last evaluated: 2023-04-11. Review status: criteria provided, single submitter. Criteria: ACMG Guidelines, 2015. Collection method: clinical testing. Allele origin: germline. Affected: no.

Genome-Nilou Lab
Classification: Uncertain significance for Factor H deficiency. Last evaluated: 2023-04-11. Review status: criteria provided, single submitter. Criteria: ACMG Guidelines, 2015. Collection method: clinical testing. Allele origin: germline. Affected: no.

Fulgent Genetics
Classification: Uncertain significance for Basal laminar drusen; Hemolytic uremic syndrome, atypical, susceptibility to, 1; Factor H deficiency; Age related macular degeneration 4. Last evaluated: 2021-08-31. Review status: criteria provided, single submitter. Criteria: ACMG Guidelines, 2015. Collection method: clinical testing. Allele origin: unknown.

Literature cited by the submitters: PubMed 29888403 (cited by 3 submitters); PubMed 34189567 (cited by 3 submitters); PubMed 34508573 (cited by Labcorp Genetics (formerly Invitae), Labcorp and Mayo Clinic Laboratories, Mayo Clinic).